The following is an entry in ClinVar:

ClinVar aggregate classification (germline): Uncertain significance (1 of 4 stars; one submission).

Conditions:
Neurofibromatosis, type 1 (NF1). Also called: VON RECKLINGHAUSEN DISEASE; Neurofibromatosis, type I; NEUROFIBROMATOSIS, TYPE I, SOMATIC; Peripheral type neurofibromatosis. Identifiers: Orphanet 636, MedGen C0027831, MONDO:0018975, OMIM 162200. Disease mechanism: loss of function.

Allele frequency attached by ClinVar (database versions not stated): gnomAD exomes below 0.00001.
gnomAD v4.1: 1 of 1,614,172 alleles (0.000062%); highest among the groups gnomAD compares: Non-Finnish European, 0.000085%; no homozygotes.

Submission:

Labcorp Genetics (formerly Invitae), Labcorp
Classification: Uncertain significance for Neurofibromatosis, type 1. Last evaluated: 2022-07-08. Review status: criteria provided, single submitter. Criteria: Invitae Variant Classification Sherloc (09022015). Collection method: clinical testing. Allele origin: germline.
Comment: In summary, the available evidence is currently insufficient to determine the role of this variant in disease. Therefore, it has been classified as a Variant of Uncertain Significance. Advanced modeling of protein sequence and biophysical properties (such as structural, functional, and spatial information, amino acid conservation, physicochemical variation, residue mobility, and thermodynamic stability) performed at Invitae indicates that this missense variant is expected to disrupt NF1 protein function. ClinVar contains an entry for this variant (Variation ID: 1010091). This variant has not been reported in the literature in individuals affected with NF1-related conditions. This variant is not present in population databases (gnomAD no frequency). This sequence change replaces serine, which is neutral and polar, with glycine, which is neutral and non-polar, at codon 1159 of the NF1 protein (p.Ser1159Gly).

NM_001042492.3(NF1):c.3475A>G (p.Ser1159Gly)

Gene: NF1 (neurofibromin 1; plus strand). Cytogenetic location: 17q11.2.
Variant type: single nucleotide variant.
Coding change: c.3475A>G on transcript NM_001042492.3 (MANE Select); coding-DNA position 3475, A replaced by G.
Protein change: p.Ser1159Gly; replaces serine 1159 with glycine.
Molecular consequence: missense variant.
Genome position (GRCh38, 1-based): chr17:31,232,860, A>G. VCF-style: chr17-31232860-A-G. GRCh37 (hg19) VCF-style: chr17-29559878-A-G.
Other names: c.3475A>G, p.Ser1159Gly (NM_000267.4); short protein forms S1159G.
Identifiers: ClinVar variation 1010091 (VCV001010091.5), dbSNP rs2067138274, ClinGen allele CA398989412.